The following is an entry in ClinVar:

ClinVar aggregate classification (germline): Uncertain significance (1 of 4 stars; one submission).

Conditions:
Developmental and epileptic encephalopathy, 27 (DEE27). Also called: GRIN2B-Related Neurodevelopmental Disorder; Epileptic encephalopathy, early infantile, 27. Identifiers: Orphanet 3451, MedGen C4015316, MONDO:0014505, OMIM 616139.
Intellectual developmental disorder, autosomal dominant 6, with or without seizures. Also called: GRIN2B-related developmental delay, intellectual disability and autism spectrum disorder; Intellectual disability, autosomal dominant 6. Identifiers: Orphanet 589547, MedGen C3151411, MONDO:0013509, OMIM 613970.

Allele frequency attached by ClinVar (database versions not stated): TOPMed below 0.00001.

Submission:

Labcorp Genetics (formerly Invitae), Labcorp
Classification: Uncertain significance for Developmental and epileptic encephalopathy, 27; Intellectual developmental disorder, autosomal dominant 6, with or without seizures. Last evaluated: 2022-05-30. Review status: criteria provided, single submitter. Criteria: Invitae Variant Classification Sherloc (09022015). Collection method: clinical testing. Allele origin: germline.
Comment: This variant has not been reported in the literature in individuals affected with GRIN2B-related conditions. This variant is not present in population databases (gnomAD no frequency). This sequence change replaces histidine, which is basic and polar, with arginine, which is basic and polar, at codon 61 of the GRIN2B protein (p.His61Arg). Advanced modeling of protein sequence and biophysical properties (such as structural, functional, and spatial information, amino acid conservation, physicochemical variation, residue mobility, and thermodynamic stability) performed at Invitae indicates that this missense variant is not expected to disrupt GRIN2B protein function. In summary, the available evidence is currently insufficient to determine the role of this variant in disease. Therefore, it has been classified as a Variant of Uncertain Significance.

NM_000834.5(GRIN2B):c.182A>G (p.His61Arg)

Gene: GRIN2B (glutamate ionotropic receptor NMDA type subunit 2B; minus strand). Cytogenetic location: 12p13.1.
Variant type: single nucleotide variant.
Coding change: c.182A>G on transcript NM_000834.5 (MANE Select); coding-DNA position 182, A replaced by G.
Protein change: p.His61Arg; replaces histidine 61 with arginine.
Molecular consequence: missense variant.
Genome position (GRCh38, 1-based): chr12:13,866,027, T>C on the plus strand (A>G on the coding strand, the complement: GRIN2B is on the minus strand). VCF-style: chr12-13866027-T-C. GRCh37 (hg19) VCF-style: chr12-14018961-T-C.
Other names: c.182A>G, p.His61Arg (NM_001413992.1, NM_001413993.1, NM_001413994.1 and 1 more transcripts); short protein forms H61R.
Identifiers: ClinVar variation 2001173 (VCV002001173.4), dbSNP rs1371195802, ClinGen allele CA384054590.
Genomic context (GRCh38, chr12:13,866,027, plus strand): 5'-ATGCTCTTTGGGTCGGTCTCATTCATGGCTACCAGTTCCACCCGGGGTACCACGGAGAGA[T>C]GGTGGAAATCATCTTTCTCGTGGGCATCCTTGATGGCCACCTCGTCGGAAGTGCCCACGA-3'
Protein context (NP_000825.2, residues 51-71): KDAHEKDDFH[His61Arg]LSVVPRVELV